The following is an entry in ClinVar:

NM_002471.4(MYH6):c.747T>C (p.Ile249=)

Gene: MYH6 (myosin heavy chain 6; minus strand). Cytogenetic location: 14q11.2.
Variant type: single nucleotide variant.
Coding change: c.747T>C on transcript NM_002471.4 (MANE Select); coding-DNA position 747, T replaced by C.
Protein change: p.Ile249=; no amino-acid change (isoleucine 249 retained).
Molecular consequence: synonymous variant.
Genome position (GRCh38, 1-based): chr14:23,403,767, A>G on the plus strand (T>C on the coding strand, the complement: MYH6 is on the minus strand). VCF-style: chr14-23403767-A-G. GRCh37 (hg19) VCF-style: chr14-23872976-A-G.
Identifiers: ClinVar variation 2644101 (VCV002644101.24), dbSNP rs1566515625, ClinGen allele CA485611504.

ClinVar aggregate classification (germline): Likely benign (1 of 4 stars; one submission).

gnomAD v4.1: 7 of 1,612,086 alleles (0.00043%); highest among the groups gnomAD compares: Middle Eastern, 0.066%; no homozygotes.

Submission:

CeGaT Center for Human Genetics Tuebingen
Classification: Likely benign. Last evaluated: 2022-12-01. Review status: criteria provided, single submitter. Criteria: CeGaT Center For Human Genetics Tuebingen Variant Classification Criteria Version 2. Collection method: clinical testing. Allele origin: germline. Affected: yes. Observed: 1 variant allele.
Comment: MYH6: PM2:Supporting, BP4, BP7